The following is an entry in ClinVar:

ClinVar aggregate classification (germline): Uncertain significance. Review status: criteria provided, multiple submitters, no conflicts (2 of 4 stars). 3 submissions from 3 submitters: Uncertain significance (3). Last evaluated 2026-03-27.

Conditions:
Inborn genetic diseases. Identifiers: MedGen C0950123, MeSH D030342.

Allele frequency attached by ClinVar (database versions not stated): TOPMed 0.00004; gnomAD exomes 0.00008 and 0.00004; ExAC 0.00010.

Submissions (3):

GeneDx
Classification: Uncertain significance. Last evaluated: 2026-03-27. Review status: criteria provided, single submitter. Criteria: GeneDx Variant Classification Process June 2021. Collection method: clinical testing. Allele origin: germline.
Comment: In silico analysis supports that this missense variant has a deleterious effect on protein structure/function; Has not been previously published as pathogenic or benign to our knowledge

Ambry Genetics
Classification: Uncertain significance for Inborn genetic diseases. Last evaluated: 2023-08-29. Review status: criteria provided, single submitter. Criteria: Ambry Variant Classification Scheme 2023. Collection method: clinical testing. Allele origin: germline.

Labcorp Genetics (formerly Invitae), Labcorp
Classification: Uncertain significance. Last evaluated: 2022-07-06. Review status: criteria provided, single submitter. Criteria: Invitae Variant Classification Sherloc (09022015). Collection method: clinical testing. Allele origin: germline.
Comment: This variant has not been reported in the literature in individuals affected with LHFPL5-related conditions. This variant is present in population databases (rs759519282, gnomAD 0.03%). This sequence change replaces glycine, which is neutral and non-polar, with serine, which is neutral and polar, at codon 63 of the LHFPL5 protein (p.Gly63Ser). ClinVar contains an entry for this variant (Variation ID: 1398793). In summary, the available evidence is currently insufficient to determine the role of this variant in disease. Therefore, it has been classified as a Variant of Uncertain Significance. Algorithms developed to predict the effect of missense changes on protein structure and function are either unavailable or do not agree on the potential impact of this missense change (SIFT: "Deleterious"; PolyPhen-2: "Probably Damaging"; Align-GVGD: "Class C0").

NM_182548.4(LHFPL5):c.187G>A (p.Gly63Ser)

Gene: LHFPL5 (LHFPL tetraspan subfamily member 5; plus strand). Cytogenetic location: 6p21.31.
Variant type: single nucleotide variant.
Coding change: c.187G>A on transcript NM_182548.4 (MANE Select); coding-DNA position 187, G replaced by A.
Protein change: p.Gly63Ser; replaces glycine 63 with serine.
Molecular consequence: missense variant.
Genome position (GRCh38, 1-based): chr6:35,805,857, G>A. VCF-style: chr6-35805857-G-A. GRCh37 (hg19) VCF-style: chr6-35773634-G-A.
Other names: c.187G>A (NM_182548.3); short protein forms G63S.
Identifiers: ClinVar variation 1398793 (VCV001398793.13), dbSNP rs759519282, ClinGen allele CA3774352.